The following is an entry in ClinVar:

NM_020180.4(CELF4):c.226G>T (p.Glu76Ter)

Gene: CELF4 (CUGBP Elav-like family member 4; minus strand). Cytogenetic location: 18q12.2.
Variant type: single nucleotide variant.
Coding change: c.226G>T on transcript NM_020180.4 (MANE Select); coding-DNA position 226, G replaced by T.
Protein change: p.Glu76Ter; replaces glutamic acid 76 with a stop codon.
Molecular consequence: nonsense. On other transcripts: non-coding transcript variant (11).
Genome position (GRCh38, 1-based): chr18:37,565,416, C>A on the plus strand (G>T on the coding strand, the complement: CELF4 is on the minus strand). VCF-style: chr18-37565416-C-A. GRCh37 (hg19) VCF-style: chr18-35145379-C-A.
Other names: c.226G>T, p.Glu76Ter (NM_001025087.2, NM_001025088.2, NM_001025089.2 and 61 more transcripts); short protein forms E76*.
Identifiers: ClinVar variation 3774946 (VCV003774946.2).
Genomic context (GRCh38, chr18:37,565,416, plus strand): 5'-CTTTGTGCATGCCTGTGAACCTGTCCTTCAGAACCGTAAGCTCGTAGATTTTGCCAAACT[C>A]CTCGAAGAGGGGCTTGAGGTCCTTCTCATCCAGGTTGCGGGGGATCTGCCCAATGAACAG-3'

ClinVar aggregate classification (germline): Pathogenic (1 of 4 stars; one submission).

Submission:

GeneDx
Classification: Pathogenic. Last evaluated: 2026-04-13. Review status: criteria provided, single submitter. Criteria: GeneDx Variant Classification Process June 2021. Collection method: clinical testing. Allele origin: germline.
Comment: Nonsense variant predicted to result in protein truncation or nonsense mediated decay in a gene for which loss of function is a known mechanism of disease; Not observed at significant frequency in large population cohorts (gnomAD); Has not been previously published as pathogenic or benign to our knowledge